The following is an entry in ClinVar:

NM_181486.4(TBX5):c.1018A>G (p.Lys340Glu)

Gene: TBX5 (T-box transcription factor 5; minus strand). Cytogenetic location: 12q24.21.
Variant type: single nucleotide variant.
Coding change: c.1018A>G on transcript NM_181486.4 (MANE Select); coding-DNA position 1018, A replaced by G.
Protein change: p.Lys340Glu; replaces lysine 340 with glutamic acid.
Molecular consequence: missense variant.
Genome position (GRCh38, 1-based): chr12:114,356,071, T>C on the plus strand (A>G on the coding strand, the complement: TBX5 is on the minus strand). VCF-style: chr12-114356071-T-C. GRCh37 (hg19) VCF-style: chr12-114793876-T-C.
Other names: c.1018A>G, p.Lys340Glu (NM_000192.3); c.868A>G, p.Lys290Glu (NM_080717.4); short protein forms K290E, K340E.
Identifiers: ClinVar variation 3230597 (VCV003230597.1), dbSNP rs2540425635, ClinGen allele CA386925970.

ClinVar aggregate classification (germline): Uncertain significance (1 of 4 stars; one submission).

Conditions:
Cardiovascular phenotype. Identifiers: MedGen CN230736.

Submission:

Ambry Genetics
Classification: Uncertain significance for Cardiovascular phenotype. Last evaluated: 2024-01-16. Review status: criteria provided, single submitter. Criteria: Ambry Variant Classification Scheme 2023. Collection method: clinical testing. Allele origin: germline.
Comment: The p.K340E variant (also known as c.1018A>G), located in coding exon 8 of the TBX5 gene, results from an A to G substitution at nucleotide position 1018. The lysine at codon 340 is replaced by glutamic acid, an amino acid with similar properties. This amino acid position is conserved. In addition, the in silico prediction for this alteration is inconclusive. Since supporting evidence is limited at this time, the clinical significance of this alteration remains unclear.